The following is an entry in ClinVar:

ClinVar aggregate classification (germline): Pathogenic (1 of 4 stars; one submission).

Conditions:
Cutis laxa, autosomal recessive, type 1B (ARCL1B). Also called: CUTIS LAXA, AUTOSOMAL RECESSIVE, TYPE IB; EFEMP2-Related Cutis Laxa. Identifiers: Orphanet 90349, MedGen C3280798, MONDO:0013754, OMIM 614437. Disease mechanism: loss of function.

Submission:

Labcorp Genetics (formerly Invitae), Labcorp
Classification: Pathogenic for Cutis laxa, autosomal recessive, type 1B. Last evaluated: 2025-11-02. Review status: criteria provided, single submitter. Criteria: Invitae Variant Classification Sherloc (09022015). Collection method: clinical testing. Allele origin: germline.
Comment: This sequence change creates a premature translational stop signal (p.Glu324*) in the EFEMP2 gene. It is expected to result in an absent or disrupted protein product. Loss-of-function variants in EFEMP2 are known to be pathogenic (PMID: 17937443). This variant is not present in population databases (gnomAD no frequency). This variant has not been reported in the literature in individuals affected with EFEMP2-related conditions. For these reasons, this variant has been classified as Pathogenic.

Literature cited by the submitters: PubMed 17937443.

NM_016938.5(EFEMP2):c.969dup (p.Glu324Ter)

Gene: EFEMP2 (EGF-like fibulin extracellular matrix protein 2; minus strand). Cytogenetic location: 11q13.1.
Variant type: Duplication.
Coding change: c.969dup on transcript NM_016938.5 (MANE Select); coding-DNA position 969, one base duplicated (T; older notation c.969dupT).
Protein change: p.Glu324Ter; replaces glutamic acid 324 with a stop codon.
Molecular consequence: nonsense. On other transcripts: non-coding transcript variant (1).
Genome position (GRCh38, 1-based): chr11:65,868,300, A duplicated on the plus strand (T on the coding strand, the reverse complement: EFEMP2 is on the minus strand). VCF-style (leftmost placement, unchanged base first): chr11-65868299-C-CA. GRCh37 (hg19) VCF-style: chr11-65635770-C-CA.
Other names: short protein forms E324*.
Identifiers: ClinVar variation 4764644 (VCV004764644.1).